The following is an entry in ClinVar:

ClinVar aggregate classification (germline): Uncertain significance (1 of 4 stars; one submission).

Conditions:
Progressive sclerosing poliodystrophy (MTDPS4A). Also called: ALPERS PROGRESSIVE INFANTILE POLIODYSTROPHY; NEURONAL DEGENERATION OF CHILDHOOD WITH LIVER DISEASE, PROGRESSIVE; Alpers Syndrome; ALPERS DIFFUSE DEGENERATION OF CEREBRAL GRAY MATTER WITH HEPATIC CIRRHOSIS; Alpers-Huttenlocher Syndrome; Mitochondrial DNA depletion syndrome 4A (Alpers type). Identifiers: Orphanet 726, MedGen C0205710, MONDO:0008758, OMIM 203700.

Submission:

Labcorp Genetics (formerly Invitae), Labcorp
Classification: Uncertain significance for Progressive sclerosing poliodystrophy. Last evaluated: 2024-10-03. Review status: criteria provided, single submitter. Criteria: Invitae Variant Classification Sherloc (09022015). Collection method: clinical testing. Allele origin: germline.
Comment: This sequence change replaces arginine, which is basic and polar, with glycine, which is neutral and non-polar, at codon 1187 of the POLG protein (p.Arg1187Gly). This variant is not present in population databases (gnomAD no frequency). This variant has not been reported in the literature in individuals affected with POLG-related conditions. Invitae Evidence Modeling of protein sequence and biophysical properties (such as structural, functional, and spatial information, amino acid conservation, physicochemical variation, residue mobility, and thermodynamic stability) has been performed for this missense variant. However, the output from this modeling did not meet the statistical confidence thresholds required to predict the impact of this variant on POLG protein function. In summary, the available evidence is currently insufficient to determine the role of this variant in disease. Therefore, it has been classified as a Variant of Uncertain Significance.

NM_002693.3(POLG):c.3559C>G (p.Arg1187Gly)

Gene: POLG (DNA polymerase gamma, catalytic subunit; minus strand). Cytogenetic location: 15q26.1.
Variant type: single nucleotide variant.
Coding change: c.3559C>G on transcript NM_002693.3 (MANE Select); coding-DNA position 3559, C replaced by G.
Protein change: p.Arg1187Gly; replaces arginine 1187 with glycine.
Molecular consequence: missense variant.
Genome position (GRCh38, 1-based): chr15:89,317,460, G>C on the plus strand (C>G on the coding strand, the complement: POLG is on the minus strand). VCF-style: chr15-89317460-G-C. GRCh37 (hg19) VCF-style: chr15-89860691-G-C.
Other names: c.3559C>G, p.Arg1187Gly (NM_001126131.2); short protein forms R1187G.
Identifiers: ClinVar variation 3668996 (VCV003668996.2).